The following is an entry in ClinVar:

ClinVar aggregate classification (germline): Uncertain significance (1 of 4 stars; one submission).

Conditions:
Spastic paraplegia. Identifiers: MedGen C0037772, HP:0001258.

Submission:

Labcorp Genetics (formerly Invitae), Labcorp
Classification: Uncertain significance for Spastic paraplegia. Last evaluated: 2024-11-27. Review status: criteria provided, single submitter. Criteria: Invitae Variant Classification Sherloc (09022015). Collection method: clinical testing. Allele origin: germline.
Comment: This sequence change replaces glutamine, which is neutral and polar, with proline, which is neutral and non-polar, at codon 240 of the HSPD1 protein (p.Gln240Pro). This variant is not present in population databases (gnomAD no frequency). This variant has not been reported in the literature in individuals affected with HSPD1-related conditions. Invitae Evidence Modeling of protein sequence and biophysical properties (such as structural, functional, and spatial information, amino acid conservation, physicochemical variation, residue mobility, and thermodynamic stability) has been performed for this missense variant. However, the output from this modeling did not meet the statistical confidence thresholds required to predict the impact of this variant on HSPD1 protein function. In summary, the available evidence is currently insufficient to determine the role of this variant in disease. Therefore, it has been classified as a Variant of Uncertain Significance.

NM_002156.5(HSPD1):c.719A>C (p.Gln240Pro)

Gene: HSPD1 (heat shock protein family D (Hsp60) member 1; minus strand). Cytogenetic location: 2q33.1.
Variant type: single nucleotide variant.
Coding change: c.719A>C on transcript NM_002156.5 (MANE Select); coding-DNA position 719, A replaced by C.
Protein change: p.Gln240Pro; replaces glutamine 240 with proline.
Molecular consequence: missense variant.
Genome position (GRCh38, 1-based): chr2:197,493,474, T>G on the plus strand (A>C on the coding strand, the complement: HSPD1 is on the minus strand). VCF-style: chr2-197493474-T-G. GRCh37 (hg19) VCF-style: chr2-198358198-T-G.
Other names: c.719A>C, p.Gln240Pro (NM_199440.2); short protein forms Q240P.
Identifiers: ClinVar variation 3730608 (VCV003730608.2).